The following is an entry in ClinVar:

NM_004519.4(KCNQ3):c.1337C>A (p.Thr446Asn)

Gene: KCNQ3 (potassium voltage-gated channel subfamily Q member 3; minus strand). Cytogenetic location: 8q24.22.
Variant type: single nucleotide variant.
Coding change: c.1337C>A on transcript NM_004519.4 (MANE Select); coding-DNA position 1337, C replaced by A.
Protein change: p.Thr446Asn; replaces threonine 446 with asparagine.
Molecular consequence: missense variant.
Genome position (GRCh38, 1-based): chr8:132,141,257, G>T on the plus strand (C>A on the coding strand, the complement: KCNQ3 is on the minus strand). VCF-style: chr8-132141257-G-T. GRCh37 (hg19) VCF-style: chr8-133153504-G-T.
Other names: c.977C>A, p.Thr326Asn (NM_001204824.2); short protein forms T326N, T446N.
Identifiers: ClinVar variation 3371577 (VCV003371577.1).

ClinVar aggregate classification (germline): Uncertain significance (1 of 4 stars; one submission).

gnomAD v4.1: 1 of 1,614,186 alleles (0.000062%); highest among the groups gnomAD compares: South Asian, 0.0011%; no homozygotes.

Submission:

GeneDx
Classification: Uncertain significance. Last evaluated: 2024-03-27. Review status: criteria provided, single submitter. Criteria: GeneDx Variant Classification Process June 2021. Collection method: clinical testing. Allele origin: germline. Affected: yes.
Comment: Not observed at significant frequency in large population cohorts (gnomAD); In silico analysis supports that this missense variant does not alter protein structure/function; Has not been previously published as pathogenic or benign to our knowledge